The following is an entry in ClinVar:

ClinVar aggregate classification (germline): Uncertain significance (1 of 4 stars; one submission).

Allele frequency attached by ClinVar (database versions not stated): gnomAD 0.00001; gnomAD exomes 0.00001.
gnomAD v4.1: 7 of 1,605,620 alleles (0.00044%); highest among the groups gnomAD compares: East Asian, 0.016%; no homozygotes.

Submission:

GeneDx
Classification: Uncertain significance. Last evaluated: 2022-01-21. Review status: criteria provided, single submitter. Criteria: GeneDx Variant Classification Process June 2021. Collection method: clinical testing. Allele origin: germline. Affected: yes.
Comment: Not observed at significant frequency in large population cohorts (gnomAD); In silico analysis supports that this missense variant does not alter protein structure/function; Has not been previously published as pathogenic or benign to our knowledge

NM_001077350.3(NPRL3):c.712G>A (p.Ala238Thr)

Genes: HBA-LCR (alpha-globin locus control region; plus strand), NPRL3 (NPR3 like, GATOR1 complex subunit; minus strand). Cytogenetic location: 16p13.3.
Variant type: single nucleotide variant.
Coding change: c.712G>A on transcript NM_001077350.3 (MANE Select); coding-DNA position 712, G replaced by A.
Protein change: p.Ala238Thr; replaces alanine 238 with threonine.
Molecular consequence: missense variant.
Genome position (GRCh38, 1-based): chr16:100,427, C>T on the plus strand (G>A on the coding strand, the complement: NPRL3 is on the minus strand). VCF-style: chr16-100427-C-T. GRCh37 (hg19) VCF-style: chr16-150425-C-T.
Other names: c.175G>A, p.Ala59Thr (NM_001039476.3); c.478G>A, p.Ala160Thr (NM_001243247.2); c.637G>A, p.Ala213Thr (NM_001243248.2, NM_001243249.2); short protein forms A160T, A213T, A238T, A59T.
Identifiers: ClinVar variation 1698284 (VCV001698284.2), dbSNP rs1237870082, ClinGen allele CA393990832.